The following is an entry in ClinVar:

ClinVar aggregate classification (germline): Uncertain significance (1 of 4 stars; one submission).

Conditions:
Cardiovascular phenotype. Identifiers: MedGen CN230736.

Allele frequency attached by ClinVar (database versions not stated): gnomAD exomes below 0.00001.

Submission:

Ambry Genetics
Classification: Uncertain significance for Cardiovascular phenotype. Last evaluated: 2023-06-29. Review status: criteria provided, single submitter. Criteria: Ambry Variant Classification Scheme 2023. Collection method: clinical testing. Allele origin: germline.
Comment: The p.R157C variant (also known as c.469C>T), located in coding exon 4 of the ABCG5 gene, results from a C to T substitution at nucleotide position 469. The arginine at codon 157 is replaced by cysteine, an amino acid with highly dissimilar properties. This amino acid position is conserved. In addition, this alteration is predicted to be tolerated by in silico analysis. Since supporting evidence is limited at this time, the clinical significance of this alteration remains unclear.

NM_022436.3(ABCG5):c.469C>T (p.Arg157Cys)

Gene: ABCG5 (ATP binding cassette subfamily G member 5; minus strand). Cytogenetic location: 2p21.
Variant type: single nucleotide variant.
Coding change: c.469C>T on transcript NM_022436.3 (MANE Select); coding-DNA position 469, C replaced by T.
Protein change: p.Arg157Cys; replaces arginine 157 with cysteine.
Molecular consequence: missense variant.
Genome position (GRCh38, 1-based): chr2:43,831,801, G>A on the plus strand (C>T on the coding strand, the complement: ABCG5 is on the minus strand). VCF-style: chr2-43831801-G-A. GRCh37 (hg19) VCF-style: chr2-44058940-G-A.
Other names: short protein forms R157C.
Identifiers: ClinVar variation 2625953 (VCV002625953.2), dbSNP rs2466090264, ClinGen allele CA346667692.